The following is an entry in ClinVar:

NM_022173.4(TIA1):c.971C>G (p.Pro324Arg)

Gene: TIA1 (TIA1 cytotoxic granule associated RNA binding protein; minus strand). Cytogenetic location: 2p13.3.
Variant type: single nucleotide variant.
Coding change: c.971C>G on transcript NM_022173.4 (MANE Select); coding-DNA position 971, C replaced by G.
Protein change: p.Pro324Arg; replaces proline 324 with arginine.
Molecular consequence: missense variant. On other transcripts: non-coding transcript variant (17).
Genome position (GRCh38, 1-based): chr2:70,214,412, G>C on the plus strand (C>G on the coding strand, the complement: TIA1 is on the minus strand). VCF-style: chr2-70214412-G-C. GRCh37 (hg19) VCF-style: chr2-70441544-G-C.
Other names: c.968C>G, p.Pro323Arg (NM_001351508.2); c.944C>G, p.Pro315Arg (NM_001351509.2); c.935C>G, p.Pro312Arg (NM_001351510.2); c.860C>G, p.Pro287Arg (NM_001351511.1); c.833C>G, p.Pro278Arg (NM_001351512.1); c.827C>G, p.Pro276Arg (NM_001351513.1); c.743C>G, p.Pro248Arg (NM_001351514.2); c.668C>G, p.Pro223Arg (NM_001351515.2); and 3 more; short protein forms P287R, P183R, P248R, P276R, P312R, P313R, P323R, P324R.
Identifiers: ClinVar variation 839978 (VCV000839978.9), dbSNP rs767406040, ClinGen allele CA49624561.
Genomic context (GRCh38, chr2:70,214,412, plus strand): 5'-AATCCTTGCTGGTTCCATGCCTGGCCATACATTCCATATGCAGGAACTTGCCAACCATTA[G>C]GCATATACTGGCCAATTTGTTGTGCATTTCCATACCACTGGCCCCACTGGCCATAAGGTT-3'
Protein context (NP_071505.2, residues 314-334): GNAQQIGQYM[Pro324Arg]NGWQVPAYGM

ClinVar aggregate classification (germline): Uncertain significance (1 of 4 stars; one submission).

Conditions:
Welander distal myopathy (WDM). Also called: Welander distal myopathy, Swedish type; Distal myopathy, Swedish type; Gower's muscular dystrophy; MUSCULAR DYSTROPHY, DISTAL, LATE-ONSET, AUTOSOMAL DOMINANT. Identifiers: Orphanet 603, MedGen C0221054, MONDO:0011466, OMIM 604454.

Allele frequency attached by ClinVar (database versions not stated): gnomAD exomes below 0.00001; TOPMed below 0.00001; gnomAD 0.00001.
gnomAD v4.1: 5 of 1,613,770 alleles (0.00031%); highest among the groups gnomAD compares: African/African-American, 0.0027%; no homozygotes.

Submission:

Labcorp Genetics (formerly Invitae), Labcorp
Classification: Uncertain significance for Welander distal myopathy. Last evaluated: 2023-12-04. Review status: criteria provided, single submitter. Criteria: Invitae Variant Classification Sherloc (09022015). Collection method: clinical testing. Allele origin: germline.
Comment: This sequence change replaces proline, which is neutral and non-polar, with arginine, which is basic and polar, at codon 324 of the TIA1 protein (p.Pro324Arg). This variant is present in population databases (rs767406040, gnomAD 0.007%). This variant has not been reported in the literature in individuals affected with TIA1-related conditions. ClinVar contains an entry for this variant (Variation ID: 839978). An algorithm developed to predict the effect of missense changes on protein structure and function (PolyPhen-2) suggests that this variant is likely to be disruptive. In summary, the available evidence is currently insufficient to determine the role of this variant in disease. Therefore, it has been classified as a Variant of Uncertain Significance.